The following is an entry in ClinVar:

NM_015922.3(NSDHL):c.1046A>G (p.Tyr349Cys)

Gene: NSDHL (NAD(P) dependent 3-beta-hydroxysteroid dehydrogenase NSDHL; plus strand). Cytogenetic location: Xq28.
Variant type: single nucleotide variant.
Coding change: c.1046A>G on transcript NM_015922.3 (MANE Select); coding-DNA position 1046, A replaced by G.
Protein change: p.Tyr349Cys; replaces tyrosine 349 with cysteine.
Molecular consequence: missense variant.
Genome position (GRCh38, 1-based): chrX:152,869,040, A>G. VCF-style: chrX-152869040-A-G. GRCh37 (hg19) VCF-style: chrX-152037584-A-G.
Other names: c.1046A>G, p.Tyr349Cys (NM_001129765.2); short protein forms Y349C.
Identifiers: ClinVar variation 21265 (VCV000021265.8), dbSNP rs137853863, ClinGen allele CA341814.

ClinVar aggregate classification (germline): Likely pathogenic. Review status: criteria provided, single submitter (1 of 4 stars). 2 submissions from 2 submitters: Likely pathogenic (1). 1 of the submissions does not count toward it. Last evaluated 2024-10-07.

Conditions:
Child syndrome. Also called: CHILD (Congenital Hemidysplasia with Ichthyosiform Nevus and Limb Defects) Syndrome. Identifiers: Orphanet 139, MedGen C0265267, MONDO:0010621, OMIM 308050.

Submissions (2):

Labcorp Genetics (formerly Invitae), Labcorp
Classification: Likely pathogenic. Last evaluated: 2024-10-07. Review status: criteria provided, single submitter. Criteria: Invitae Variant Classification Sherloc (09022015). Collection method: clinical testing. Allele origin: germline.
Comment: This sequence change replaces tyrosine, which is neutral and polar, with cysteine, which is neutral and slightly polar, at codon 349 of the NSDHL protein (p.Tyr349Cys). This variant is not present in population databases (gnomAD no frequency). This missense change has been observed in individuals with clinical features of CHILD syndrome (PMID: 14527740, 15689440, 18825599; internal data). ClinVar contains an entry for this variant (Variation ID: 21265). An algorithm developed to predict the effect of missense changes on protein structure and function (PolyPhen-2) suggests that this variant is likely to be disruptive. This variant disrupts the p.Tyr349 amino acid residue in NSDHL. Other variant(s) that disrupt this residue have been observed in individuals with NSDHL-related conditions (PMID: 15689440), which suggests that this may be a clinically significant amino acid residue. In summary, the currently available evidence indicates that the variant is pathogenic, but additional data are needed to prove that conclusively. Therefore, this variant has been classified as Likely Pathogenic.

GeneReviews
No classification provided. Condition: Child syndrome. Review status: no classification provided. Collection method: clinical testing. Allele origin: germline. Not counted in ClinVar's aggregate classification.

Literature cited by the submitters: PubMed 14527740 (cited by Labcorp Genetics (formerly Invitae), Labcorp); PubMed 15689440 (cited by Labcorp Genetics (formerly Invitae), Labcorp); PubMed 18825599 (cited by Labcorp Genetics (formerly Invitae), Labcorp).